The following is an entry in ClinVar:

ClinVar aggregate classification (germline): Uncertain significance (1 of 4 stars; one submission).

Conditions:
Combined immunodeficiency due to LRBA deficiency. Also called: Common variable immunodeficiency 8, with autoimmunity. Identifiers: Orphanet 445018, MedGen C3553512, MONDO:0013863, OMIM 614700.

Allele frequency attached by ClinVar (database versions not stated): gnomAD exomes 0.00001; gnomAD 0.00002; TOPMed 0.00003; ExAC 0.00004.
gnomAD v4.1: 19 of 1,610,774 alleles (0.0012%); highest among the groups gnomAD compares: South Asian, 0.012%; no homozygotes.

Submission:

Labcorp Genetics (formerly Invitae), Labcorp
Classification: Uncertain significance for Combined immunodeficiency due to LRBA deficiency. Last evaluated: 2023-07-29. Review status: criteria provided, single submitter. Criteria: Invitae Variant Classification Sherloc (09022015). Collection method: clinical testing. Allele origin: germline.
Comment: This variant is present in population databases (rs372154550, gnomAD 0.01%). This sequence change replaces histidine, which is basic and polar, with arginine, which is basic and polar, at codon 762 of the LRBA protein (p.His762Arg). This variant has not been reported in the literature in individuals affected with LRBA-related conditions. In summary, the available evidence is currently insufficient to determine the role of this variant in disease. Therefore, it has been classified as a Variant of Uncertain Significance. Advanced modeling of protein sequence and biophysical properties (such as structural, functional, and spatial information, amino acid conservation, physicochemical variation, residue mobility, and thermodynamic stability) performed at Invitae indicates that this missense variant is expected to disrupt LRBA protein function.

NM_001364905.1(LRBA):c.2285A>G (p.His762Arg)

Gene: LRBA (LPS responsive beige-like anchor protein; minus strand). Cytogenetic location: 4q31.3.
Variant type: single nucleotide variant.
Coding change: c.2285A>G on transcript NM_001364905.1 (MANE Select); coding-DNA position 2285, A replaced by G.
Protein change: p.His762Arg; replaces histidine 762 with arginine.
Molecular consequence: missense variant.
Genome position (GRCh38, 1-based): chr4:150,871,427, T>C on the plus strand (A>G on the coding strand, the complement: LRBA is on the minus strand). VCF-style: chr4-150871427-T-C. GRCh37 (hg19) VCF-style: chr4-151792579-T-C.
Other names: c.2285A>G, p.His762Arg (NM_001199282.3, NM_001367550.1, NM_006726.5); short protein forms H762R.
Identifiers: ClinVar variation 3021394 (VCV003021394.1), dbSNP rs372154550, ClinGen allele CA3103309.